The following is an entry in ClinVar:

ClinVar aggregate classification (germline): Pathogenic. Review status: reviewed by expert panel (3 of 4 stars). 5 submissions from 5 submitters: Pathogenic (1). 4 of the submissions do not count toward it. Last evaluated 2024-08-07.

Conditions:
Alpha-actinopathy. Also called: Actinopathy. Identifiers: MedGen CN295279, MONDO:0100084.
Actin accumulation myopathy (CMYO2A). Also called: Myopathy, actin, congenital, with cores; Nemaline myopathy 3, with intranuclear rods; Nemaline myopathy type 3; Myopathy, actin, congenital, with excess of thin myofilaments; CONGENITAL MYOPATHY 2A, TYPICAL, AUTOSOMAL DOMINANT. Identifiers: Orphanet 98904, MedGen C3711389, MONDO:0008070, OMIM 161800.

Allele frequency attached by ClinVar (database versions not stated): ExAC 0.00001; gnomAD 0.00001 and 0.00002; gnomAD exomes 0.00001 and 0.00002; TOPMed 0.00002; ESP Exome Variant Server 0.00008.
gnomAD v4.1: 34 of 1,614,066 alleles (0.0021%); highest among the groups gnomAD compares: Non-Finnish European, 0.0026%; no homozygotes.

Submissions (5):

ClinGen Congenital Myopathies Variant Curation Expert Panel, ClinGen
Classification: Pathogenic for Alpha-actinopathy. Last evaluated: 2024-08-07. Review status: reviewed by expert panel. Criteria: ClinGen CongenMyopathy ACMG Specifications ACTA1 AR V1.0.0. Collection method: curation. Allele origin: germline. Inheritance: Autosomal recessive inheritance.
Comment: The variant c.990+1G>T in ACTA1 occurs within the canonical splice donor site (+1) of intron 6. It is predicted to cause skipping of biologically-relevant-exon resulting in an out of frame deletion. However, it is predicted to escape nonsense mediated decay and remove >10% of the protein (PVS1_Strong). The highest minor allele frequency in gnomAD v4.1.0 is 0.00001883 (31/1180028 alleles) in the European (non-Finnish) population (no population codes met). This variant has been reported in trans with a pathogenic variant in two probands with nemaline myopathy (PMID:19562689, LOVD), and homozygous in one proband with nemaline myopathy which meets PM3_Strong. In summary, the variant meets the criteria to be classified as pathogenic for autosomal recessive alpha-actinopathy. ACMG/AMP criteria met, as specified by the ClinGen Congenital Myopathies VCEP: PVS1_Strong, PM3_Strong (ClinGen Congenital Myopathies VCEP specifications version 1; 08/07/2024).

GeneDx
Classification: Pathogenic. Last evaluated: 2026-07-25. Review status: criteria provided, single submitter. Criteria: GeneDx Variant Classification Process June 2021. Collection method: clinical testing. Allele origin: germline. Not counted in ClinVar's aggregate classification.
Comment: Not observed at significant frequency in large population cohorts (gnomAD); Canonical splice site variant predicted to result in a null allele in a gene for which loss of function is a known mechanism of disease; This variant is associated with the following publications: (PMID: 16199547, 12921789, 25525159, 31589614, 39333430, 19562689)

CeGaT Center for Human Genetics Tuebingen
Classification: Pathogenic. Last evaluated: 2022-01-01. Review status: criteria provided, single submitter. Criteria: CeGaT Center For Human Genetics Tuebingen Variant Classification Criteria Version 2. Collection method: clinical testing. Allele origin: germline. Affected: yes. Observed: 1 variant allele. Not counted in ClinVar's aggregate classification.

Baylor Genetics
Classification: Pathogenic for Actin accumulation myopathy. Last evaluated: 2019-08-30. Review status: criteria provided, single submitter. Criteria: ACMG Guidelines, 2015. Collection method: clinical testing. Allele origin: unknown. Affected: yes. Not counted in ClinVar's aggregate classification.
Comment: This variant was determined to be pathogenic according to ACMG Guidelines, 2015 [PMID:25741868].

Labcorp Genetics (formerly Invitae), Labcorp
Classification: Likely pathogenic for Actin accumulation myopathy. Last evaluated: 2016-08-24. Review status: criteria provided, single submitter. Criteria: Invitae Variant Classification Sherloc (09022015). Collection method: clinical testing. Allele origin: germline. Not counted in ClinVar's aggregate classification.
Comment: This sequence change affects a donor splice site in the last intron (intron 6) of the ACTA1 gene. It is expected to disrupt mRNA splicing and likely results in an absent or disrupted protein product. It was reported to occur in trans with a pathogenic variant (p.Tyr190*) and to be inherited in an autosomal recessive manner (PMID: 19562689). This variant has also been reported in trans with another pathogenic variant (p.Ala146Profs*46) in a second individual affected with nemaline myopathy. Truncating mutations in ACTA1 are not known to cause autosomal dominant forms of nemaline myopathy (PMID: 12921789,Â¬â€ 19562689). Although donor and acceptor splice site variants are typically truncating (PMID: 16199547) and truncating variants in ACTA1 are known to be pathogenic (PMID: 19562689), the pathogenicity of this donor splice site variant in the last intron is not conclusive due to the uncertain impact on mRNA splicing and protein function.Â¬â€ Without additional functional and/or genetic data, this variant has been classified as Likely Pathogenic.

NM_001100.4(ACTA1):c.990+1G>T

Gene: ACTA1 (actin alpha 1, skeletal muscle; minus strand). Cytogenetic location: 1q42.13.
Variant type: single nucleotide variant.
Coding change: c.990+1G>T on transcript NM_001100.4 (MANE Select); the canonical splice donor site of the intron after coding-DNA position 990, G replaced by T.
Molecular consequence: splice donor variant.
Genome position (GRCh38, 1-based): chr1:229,431,720, C>A on the plus strand (G>T on the coding strand, the complement: ACTA1 is on the minus strand). VCF-style: chr1-229431720-C-A. GRCh37 (hg19) VCF-style: chr1-229567467-C-A.
Identifiers: ClinVar variation 464139 (VCV000464139.38), dbSNP rs372686280, ClinGen allele CA1442746.